The following is an entry in ClinVar:

ClinVar aggregate classification (germline): Conflicting classifications of pathogenicity. Review status: criteria provided, conflicting classifications (1 of 4 stars). 4 submissions from 4 submitters: Pathogenic (2); Uncertain significance (2). Last evaluated 2025-09-22.

Conditions:
Intellectual disability. Also called: intellectual disabilities; Intellectual developmental disorder; Intellectual functioning disability. Identifiers: MedGen C3714756, MeSH D008607, MONDO:0001071, HP:0001249.

Submissions (4):

GeneDx
Classification: Pathogenic. Last evaluated: 2025-09-22. Review status: criteria provided, single submitter. Criteria: GeneDx Variant Classification Process June 2021. Collection method: clinical testing. Allele origin: germline. Affected: yes.
Comment: Reported in an individual with early onset dystonia (G. Novotni et al. (2024) Parkinsonism & Related Disorders. 122 (24)00624-2/abstract); Not observed at significant frequency in large population cohorts (gnomAD); In silico analysis supports that this missense variant has a deleterious effect on protein structure/function; This variant is associated with the following publications: (PMID: 40210557, Novotni2024[abstract])

Labcorp Genetics (formerly Invitae), Labcorp
Classification: Uncertain significance. Last evaluated: 2022-10-17. Review status: criteria provided, single submitter. Criteria: Invitae Variant Classification Sherloc (09022015). Collection method: clinical testing. Allele origin: germline.
Comment: This sequence change replaces glycine, which is neutral and non-polar, with serine, which is neutral and polar, at codon 115 of the GNB1 protein (p.Gly115Ser). This variant is not present in population databases (gnomAD no frequency). This variant has not been reported in the literature in individuals affected with GNB1-related conditions. ClinVar contains an entry for this variant (Variation ID: 981265). Advanced modeling of protein sequence and biophysical properties (such as structural, functional, and spatial information, amino acid conservation, physicochemical variation, residue mobility, and thermodynamic stability) performed at Invitae indicates that this missense variant is expected to disrupt GNB1 protein function. In summary, the available evidence is currently insufficient to determine the role of this variant in disease. Therefore, it has been classified as a Variant of Uncertain Significance.

Laboratorio de Genetica e Diagnostico Molecular, Hospital Israelita Albert Einstein
Classification: Uncertain significance. Last evaluated: 2022-01-12. Review status: criteria provided, single submitter. Criteria: ACMG Guidelines, 2015. Collection method: clinical testing. Allele origin: germline. Affected: yes.
Comment: ACMG classification criteria: PM2, PP2, PP3

Diagnostic Laboratory, Strasbourg University Hospital
Classification: Pathogenic for Intellectual disability. Last evaluated: 2020-09-10. Review status: criteria provided, single submitter. Criteria: ACMG Guidelines, 2015. Collection method: clinical testing. Allele origin: de novo. Affected: yes. Observed: 1 heterozygote.

NM_002074.5(GNB1):c.343G>A (p.Gly115Ser)

Gene: GNB1 (G protein subunit beta 1; minus strand). Cytogenetic location: 1p36.33.
Variant type: single nucleotide variant.
Coding change: c.343G>A on transcript NM_002074.5 (MANE Select); coding-DNA position 343, G replaced by A.
Protein change: p.Gly115Ser; replaces glycine 115 with serine.
Molecular consequence: missense variant.
Genome position (GRCh38, 1-based): chr1:1,804,506, C>T on the plus strand (G>A on the coding strand, the complement: GNB1 is on the minus strand). VCF-style: chr1-1804506-C-T. GRCh37 (hg19) VCF-style: chr1-1735945-C-T.
Other names: c.43G>A, p.Gly15Ser (NM_001282538.2); c.343G>A, p.Gly115Ser (NM_001282539.2); short protein forms G115S, G15S.
Identifiers: ClinVar variation 981265 (VCV000981265.11), dbSNP rs1646670170, ClinGen allele CA337914875.